The following is an entry in ClinVar:

ClinVar aggregate classification (germline): Uncertain significance. Review status: criteria provided, multiple submitters, no conflicts (2 of 4 stars). 3 submissions from 3 submitters: Uncertain significance (3). Last evaluated 2025-10-14.

Conditions:
Autosomal dominant hypophosphatemic rickets (ADHR). Also called: HYPOPHOSPHATEMIA, AUTOSOMAL DOMINANT; VITAMIN D-RESISTANT RICKETS, AUTOSOMAL DOMINANT. Identifiers: Orphanet 89937, MedGen C0342642, MONDO:0008660, OMIM 193100.
Tumoral calcinosis, hyperphosphatemic, familial, 2. Identifiers: MedGen C4693863, MONDO:0060714, OMIM 617993.
Inborn genetic diseases. Identifiers: MedGen C0950123, MeSH D030342.

gnomAD v4.1: 9 of 1,613,758 alleles (0.00056%); highest among the groups gnomAD compares: Non-Finnish European, 0.00059%; no homozygotes.

Submissions (3):

Ambry Genetics
Classification: Uncertain significance for Inborn genetic diseases. Last evaluated: 2025-10-14. Review status: criteria provided, single submitter. Criteria: Ambry Variant Classification Scheme 2023. Collection method: clinical testing. Allele origin: germline.

Labcorp Genetics (formerly Invitae), Labcorp
Classification: Uncertain significance. Last evaluated: 2024-12-20. Review status: criteria provided, single submitter. Criteria: Invitae Variant Classification Sherloc (09022015). Collection method: clinical testing. Allele origin: germline.
Comment: This sequence change replaces glutamic acid, which is acidic and polar, with lysine, which is basic and polar, at codon 182 of the FGF23 protein (p.Glu182Lys). This variant is present in population databases (rs772772136, gnomAD 0.004%). This variant has not been reported in the literature in individuals affected with FGF23-related conditions. Invitae Evidence Modeling of protein sequence and biophysical properties (such as structural, functional, and spatial information, amino acid conservation, physicochemical variation, residue mobility, and thermodynamic stability) has been performed for this missense variant. However, the output from this modeling did not meet the statistical confidence thresholds required to predict the impact of this variant on FGF23 protein function. In summary, the available evidence is currently insufficient to determine the role of this variant in disease. Therefore, it has been classified as a Variant of Uncertain Significance.

Fulgent Genetics
Classification: Uncertain significance for Autosomal dominant hypophosphatemic rickets; Tumoral calcinosis, hyperphosphatemic, familial, 2. Last evaluated: 2024-05-02. Review status: criteria provided, single submitter. Criteria: ACMG Guidelines, 2015. Collection method: clinical testing. Allele origin: germline.

NM_020638.3(FGF23):c.544G>A (p.Glu182Lys)

Gene: FGF23 (fibroblast growth factor 23; minus strand). Cytogenetic location: 12p13.32.
Variant type: single nucleotide variant.
Coding change: c.544G>A on transcript NM_020638.3 (MANE Select); coding-DNA position 544, G replaced by A.
Protein change: p.Glu182Lys; replaces glutamic acid 182 with lysine.
Molecular consequence: missense variant.
Genome position (GRCh38, 1-based): chr12:4,370,555, C>T on the plus strand (G>A on the coding strand, the complement: FGF23 is on the minus strand). VCF-style: chr12-4370555-C-T. GRCh37 (hg19) VCF-style: chr12-4479721-C-T.
Other names: c.544G>A (NM_020638.2); short protein forms E182K.
Identifiers: ClinVar variation 3574578 (VCV003574578.4).